The following is an entry in ClinVar:

ClinVar aggregate classification (germline): Uncertain significance (1 of 4 stars; one submission).

gnomAD v4.1: 1 of 1,614,156 alleles (0.000062%); highest among the groups gnomAD compares: Non-Finnish European, 0.000085%; no homozygotes.

Submission:

Labcorp Genetics (formerly Invitae), Labcorp
Classification: Uncertain significance. Last evaluated: 2024-09-18. Review status: criteria provided, single submitter. Criteria: Invitae Variant Classification Sherloc (09022015). Collection method: clinical testing. Allele origin: germline.
Comment: This sequence change replaces alanine, which is neutral and non-polar, with serine, which is neutral and polar, at codon 835 of the CTNNA1 protein (p.Ala835Ser). This variant is not present in population databases (gnomAD no frequency). This variant has not been reported in the literature in individuals affected with CTNNA1-related conditions. Invitae Evidence Modeling of protein sequence and biophysical properties (such as structural, functional, and spatial information, amino acid conservation, physicochemical variation, residue mobility, and thermodynamic stability) indicates that this missense variant is not expected to disrupt CTNNA1 protein function with a negative predictive value of 80%. In summary, the available evidence is currently insufficient to determine the role of this variant in disease. Therefore, it has been classified as a Variant of Uncertain Significance.

NM_001903.5(CTNNA1):c.2503G>T (p.Ala835Ser)

Gene: CTNNA1 (catenin alpha 1; plus strand). Cytogenetic location: 5q31.2.
Variant type: single nucleotide variant.
Coding change: c.2503G>T on transcript NM_001903.5 (MANE Select); coding-DNA position 2503, G replaced by T.
Protein change: p.Ala835Ser; replaces alanine 835 with serine.
Molecular consequence: missense variant. On other transcripts: 3 prime UTR variant (5).
Genome position (GRCh38, 1-based): chr5:138,933,871, G>T. VCF-style: chr5-138933871-G-T. GRCh37 (hg19) VCF-style: chr5-138269560-G-T.
Other names: c.1393G>T, p.Ala465Ser (NM_001323989.1, NM_001323990.1, NM_001323991.1 and 12 more transcripts); c.*48G>T (NM_001290307.3, NM_001324002.1, NM_001324003.1 and 2 more transcripts); c.2194G>T, p.Ala732Ser (NM_001290309.3); c.2134G>T, p.Ala712Ser (NM_001290310.3); c.2503G>T, p.Ala835Ser (NM_001323982.2, NM_001323983.1, NM_001323984.2); c.2476G>T, p.Ala826Ser (NM_001323985.2); c.2410G>T, p.Ala804Ser (NM_001323986.2); c.1258G>T, p.Ala420Ser (NM_001324001.1); and 3 more; short protein forms A352S, A384S, A420S, A712S, A465S, A732S, A804S, A434S.
Identifiers: ClinVar variation 3665413 (VCV003665413.2).